The following is an entry in ClinVar:

NM_000170.3(GLDC):c.255+1G>A

Gene: GLDC (glycine decarboxylase; minus strand). Cytogenetic location: 9p24.1.
Variant type: single nucleotide variant.
Coding change: c.255+1G>A on transcript NM_000170.3 (MANE Select); the canonical splice donor site of the intron after coding-DNA position 255, G replaced by A.
Molecular consequence: splice donor variant.
Genome position (GRCh38, 1-based): chr9:6,645,244, C>T on the plus strand (G>A on the coding strand, the complement: GLDC is on the minus strand). VCF-style: chr9-6645244-C-T. GRCh37 (hg19) VCF-style: chr9-6645244-C-T.
Identifiers: ClinVar variation 56082 (VCV000056082.2), dbSNP rs386833563, ClinGen allele CA263385.
Genomic context (GRCh38, chr9:6,645,244, plus strand): 5'-CGCAGGCAGAGCCCGGGCAGGGCGGAGGGGAGGCCGCGGAGGGCCGGGTGGAGGTCCTTA[C>T]CGCCAGCCCCAAGGTCTGCAGCATCTCTCTCTGGTCTTTGTCCCCAGGGCCGATGTGCCT-3'

ClinVar aggregate classification (germline): Likely pathogenic (0 of 4 stars; one submission).

Conditions:
Glycine encephalopathy. Also called: Nonketotic hyperglycinemia; Non-ketotic hyperglycinemia. Identifiers: Orphanet 407, MedGen C0751748, MONDO:0011612, HP:0008288.

Submission:

Juha Muilu Group; Institute for Molecular Medicine Finland (FIMM)
Classification: Likely pathogenic for Non-ketotic hyperglycinemia. Review status: no assertion criteria provided. Collection method: not provided. Allele origin: unknown.
Comment: FinDis database variant: This variant was not found or characterized by our laboratory, data were collected from public sources: see reference
ClinVar note: Converted during submission from probable-pathogenic to Likely pathogenic.